The following is an entry in ClinVar:

ClinVar aggregate classification (germline): Uncertain significance. Review status: criteria provided, multiple submitters, no conflicts (2 of 4 stars). 3 submissions from 3 submitters: Uncertain significance (3). Last evaluated 2025-02-22.

Conditions:
Cardiovascular phenotype. Identifiers: MedGen CN230736.
RASopathy. Also called: rasopathies; Noonan spectrum disorder. Identifiers: Orphanet 536391, MedGen C5555857, MONDO:0021060.
Noonan syndrome 5 (NS5). Also called: RAF1-Related Noonan Syndrome. Identifiers: Orphanet 648, MedGen C1969057, MONDO:0012690, OMIM 611553. Disease mechanism: gain of function.

Allele frequency attached by ClinVar (database versions not stated): gnomAD 0.00001; gnomAD exomes 0.00001; TOPMed 0.00002.
gnomAD v4.1: 21 of 1,614,064 alleles (0.0013%); highest among the groups gnomAD compares: Non-Finnish European, 0.0018%; 1 homozygote.

Submissions (3):

Ambry Genetics
Classification: Uncertain significance for Cardiovascular phenotype. Last evaluated: 2025-02-22. Review status: criteria provided, single submitter. Criteria: Ambry Variant Classification Scheme 2023. Collection method: clinical testing. Allele origin: germline.
Comment: The p.I634T variant (also known as c.1901T>C), located in coding exon 16 of the RAF1 gene, results from a T to C substitution at nucleotide position 1901. The isoleucine at codon 634 is replaced by threonine, an amino acid with similar properties. This amino acid position is well conserved in available vertebrate species. In addition, the in silico prediction for this alteration is inconclusive. Since supporting evidence is limited at this time, the clinical significance of this alteration remains unclear.

Labcorp Genetics (formerly Invitae), Labcorp
Classification: Uncertain significance for RASopathy. Last evaluated: 2024-10-30. Review status: criteria provided, single submitter. Criteria: Invitae Variant Classification Sherloc (09022015). Collection method: clinical testing. Allele origin: germline.
Comment: This sequence change replaces isoleucine, which is neutral and non-polar, with threonine, which is neutral and polar, at codon 634 of the RAF1 protein (p.Ile634Thr). This variant is present in population databases (no rsID available, gnomAD 0.002%). This variant has not been reported in the literature in individuals affected with RAF1-related conditions. ClinVar contains an entry for this variant (Variation ID: 641642). Invitae Evidence Modeling incorporating data from in vitro experimental studies (internal data) indicates that this missense variant is not expected to disrupt RAF1 function with a negative predictive value of 80%. In summary, the available evidence is currently insufficient to determine the role of this variant in disease. Therefore, it has been classified as a Variant of Uncertain Significance.

St. Jude Molecular Pathology, St. Jude Children's Research Hospital
Classification: Uncertain significance for Noonan syndrome 5. Last evaluated: 2023-01-09. Review status: criteria provided, single submitter. Criteria: St. Jude Assertion Criteria 2020. Collection method: clinical testing. Allele origin: germline.
Comment: The RAF1 c.1901T>C (p.Ile634Thr) missense change has a maximum subpopulation frequency of 0.0018% in gnomAD v2.1.1. The in silico tool REVEL is inconclusive about a pathogenic or benign effect of this variant on protein function, and to our knowledge functional studies have not been performed. To our knowledge, this variant has not been reported in individuals with RASopathy conditions. In summary, the evidence currently available is insufficient to determine the clinical significance of this variant. It has therefore been classified as of uncertain significance.

NM_002880.4(RAF1):c.1901T>C (p.Ile634Thr)

Gene: RAF1 (Raf-1 proto-oncogene, serine/threonine kinase; minus strand). Cytogenetic location: 3p25.2.
Variant type: single nucleotide variant.
Coding change: c.1901T>C on transcript NM_002880.4 (MANE Select); coding-DNA position 1901, T replaced by C.
Protein change: p.Ile634Thr; replaces isoleucine 634 with threonine.
Molecular consequence: missense variant. On other transcripts: non-coding transcript variant (3).
Genome position (GRCh38, 1-based): chr3:12,584,560, A>G on the plus strand (T>C on the coding strand, the complement: RAF1 is on the minus strand). VCF-style: chr3-12584560-A-G. GRCh37 (hg19) VCF-style: chr3-12626059-A-G.
Other names: c.1961T>C, p.Ile654Thr (NM_001354689.3); c.1901T>C, p.Ile634Thr (NM_001354690.3); c.1658T>C, p.Ile553Thr (NM_001354691.3, NM_001354692.3); c.1802T>C, p.Ile601Thr (NM_001354693.3); c.1718T>C, p.Ile573Thr (NM_001354694.3); c.1559T>C, p.Ile520Thr (NM_001354695.3); short protein forms I601T, I634T, I520T, I553T, I573T, I654T.
Identifiers: ClinVar variation 641642 (VCV000641642.10), dbSNP rs1013186582, ClinGen allele CA69602224.